The following is an entry in ClinVar:

NM_001036.6(RYR3):c.10624G>A (p.Glu3542Lys)

Gene: RYR3 (ryanodine receptor 3; plus strand). Cytogenetic location: 15q14.
Variant type: single nucleotide variant.
Coding change: c.10624G>A on transcript NM_001036.6 (MANE Select); coding-DNA position 10624, G replaced by A.
Protein change: p.Glu3542Lys; replaces glutamic acid 3542 with lysine.
Molecular consequence: missense variant.
Genome position (GRCh38, 1-based): chr15:33,818,602, G>A. VCF-style: chr15-33818602-G-A. GRCh37 (hg19) VCF-style: chr15-34110803-G-A.
Other names: c.10609G>A, p.Glu3537Lys (NM_001243996.4); short protein forms E3537K, E3542K.
Identifiers: ClinVar variation 1524910 (VCV001524910.6), dbSNP rs1195837601, ClinGen allele CA391585425.

ClinVar aggregate classification (germline): Uncertain significance (1 of 4 stars; one submission).

Conditions:
Epileptic encephalopathy. Identifiers: MedGen C0543888, HP:0200134.

Allele frequency attached by ClinVar (database versions not stated): gnomAD exomes below 0.00001; TOPMed below 0.00001; gnomAD 0.00001.
gnomAD v4.1: 2 of 1,613,620 alleles (0.00012%); highest among the groups gnomAD compares: Non-Finnish European, 0.00017%; no homozygotes.

Submission:

Labcorp Genetics (formerly Invitae), Labcorp
Classification: Uncertain significance for Epileptic encephalopathy. Last evaluated: 2022-04-19. Review status: criteria provided, single submitter. Criteria: Invitae Variant Classification Sherloc (09022015). Collection method: clinical testing. Allele origin: germline.
Comment: In summary, the available evidence is currently insufficient to determine the role of this variant in disease. Therefore, it has been classified as a Variant of Uncertain Significance. Algorithms developed to predict the effect of missense changes on protein structure and function are either unavailable or do not agree on the potential impact of this missense change (SIFT: "Deleterious"; PolyPhen-2: "Benign"; Align-GVGD: "Class C0"). This variant has not been reported in the literature in individuals affected with RYR3-related conditions. This variant is not present in population databases (gnomAD no frequency). This sequence change replaces glutamic acid, which is acidic and polar, with lysine, which is basic and polar, at codon 3542 of the RYR3 protein (p.Glu3542Lys).